The following is an entry in ClinVar:

ClinVar aggregate classification (germline): Pathogenic (1 of 4 stars; one submission).

Allele frequency attached by ClinVar (database versions not stated): gnomAD exomes 0.00001 and 0.00002; TOPMed 0.00001; ExAC 0.00003; gnomAD 0.00003.
gnomAD v4.1: 28 of 1,614,064 alleles (0.0017%); highest among the groups gnomAD compares: South Asian, 0.0066%; no homozygotes.

Submission:

Labcorp Genetics (formerly Invitae), Labcorp
Classification: Pathogenic. Last evaluated: 2025-05-01. Review status: criteria provided, single submitter. Criteria: Invitae Variant Classification Sherloc (09022015). Collection method: clinical testing. Allele origin: germline.
Comment: This sequence change replaces proline, which is neutral and non-polar, with leucine, which is neutral and non-polar, at codon 650 of the CNGB1 protein (p.Pro650Leu). This variant is present in population databases (rs780961773, gnomAD 0.006%). This missense change has been observed in individuals with retinitis pigmentosa (PMID: 30902645, 33576794, 33749171; internal data). ClinVar contains an entry for this variant (Variation ID: 964956). Invitae Evidence Modeling of protein sequence and biophysical properties (such as structural, functional, and spatial information, amino acid conservation, physicochemical variation, residue mobility, and thermodynamic stability) indicates that this missense variant is expected to disrupt CNGB1 protein function with a positive predictive value of 80%. For these reasons, this variant has been classified as Pathogenic.

Literature cited by the submitters: PubMed 30902645; PubMed 33576794; PubMed 33749171.

NM_001297.5(CNGB1):c.1949C>T (p.Pro650Leu)

Gene: CNGB1 (cyclic nucleotide gated channel subunit beta 1; minus strand). Cytogenetic location: 16q21.
Variant type: single nucleotide variant.
Coding change: c.1949C>T on transcript NM_001297.5 (MANE Select); coding-DNA position 1949, C replaced by T.
Protein change: p.Pro650Leu; replaces proline 650 with leucine.
Molecular consequence: missense variant.
Genome position (GRCh38, 1-based): chr16:57,919,107, G>A on the plus strand (C>T on the coding strand, the complement: CNGB1 is on the minus strand). VCF-style: chr16-57919107-G-A. GRCh37 (hg19) VCF-style: chr16-57953011-G-A.
Other names: c.1931C>T, p.Pro644Leu (NM_001286130.2); short protein forms P650L, P644L.
Identifiers: ClinVar variation 964956 (VCV000964956.9), dbSNP rs780961773, ClinGen allele CA8083238.